The following is an entry in ClinVar:

ClinVar aggregate classification (germline): Uncertain significance. Review status: criteria provided, single submitter (1 of 4 stars). 3 submissions from 2 submitters: Uncertain significance (1). 2 of the submissions do not count toward it. Last evaluated 2024-10-30.

Conditions:
Primary coenzyme Q10 deficiency 8. Identifiers: MedGen C4225226, MONDO:0014754, OMIM 616733.
Neuronopathy, distal hereditary motor, autosomal recessive 9 (HMNR9). Also called: NEUROPATHY, DISTAL HEREDITARY MOTOR, AUTOSOMAL RECESSIVE 9. Identifiers: Orphanet 658778, MedGen C5882672, MONDO:0957874, OMIM 620402.

Allele frequency attached by ClinVar (database versions not stated): ExAC 0.00001; gnomAD 0.00003; gnomAD exomes 0.00001; TOPMed 0.00002.
gnomAD v4.1: 20 of 1,613,902 alleles (0.0012%); highest among the groups gnomAD compares: Non-Finnish European, 0.0017%; no homozygotes.

Submissions (3):

Labcorp Genetics (formerly Invitae), Labcorp
Classification: Uncertain significance. Last evaluated: 2024-10-30. Review status: criteria provided, single submitter. Criteria: Invitae Variant Classification Sherloc (09022015). Collection method: clinical testing. Allele origin: germline.
Comment: This sequence change replaces tyrosine, which is neutral and polar, with cysteine, which is neutral and slightly polar, at codon 149 of the COQ7 protein (p.Tyr149Cys). This variant is present in population databases (rs760710474, gnomAD 0.003%). This missense change has been observed in individual(s) with clinical features of coenzyme Q10 deficiency (PMID: 30369941, 37170631). It has also been observed to segregate with disease in related individuals. ClinVar contains an entry for this variant (Variation ID: 1396906). An algorithm developed to predict the effect of missense changes on protein structure and function (PolyPhen-2) suggests that this variant is likely to be disruptive. Experimental studies have shown that this missense change affects COQ7 function (PMID: 37392700). In summary, the available evidence is currently insufficient to determine the role of this variant in disease. Therefore, it has been classified as a Variant of Uncertain Significance.

OMIM
Classification: Pathogenic for COENZYME Q10 DEFICIENCY, PRIMARY, 8. Last evaluated: 2024-01-31. Review status: no assertion criteria provided. Collection method: literature only. Allele origin: germline. Not counted in ClinVar's aggregate classification.

OMIM
Classification: Pathogenic for NEURONOPATHY, DISTAL HEREDITARY MOTOR, AUTOSOMAL RECESSIVE 9. Last evaluated: 2024-01-31. Review status: no assertion criteria provided. Collection method: literature only. Allele origin: germline. Not counted in ClinVar's aggregate classification.

Literature cited by the submitters: PubMed 30369941 (cited by Labcorp Genetics (formerly Invitae), Labcorp); PubMed 37170631 (cited by Labcorp Genetics (formerly Invitae), Labcorp); PubMed 37392700 (cited by Labcorp Genetics (formerly Invitae), Labcorp and OMIM).

NM_016138.5(COQ7):c.446A>G (p.Tyr149Cys)

Gene: COQ7 (coenzyme Q7, hydroxylase; plus strand). Cytogenetic location: 16p12.3.
Variant type: single nucleotide variant.
Coding change: c.446A>G on transcript NM_016138.5 (MANE Select); coding-DNA position 446, A replaced by G.
Protein change: p.Tyr149Cys; replaces tyrosine 149 with cysteine.
Molecular consequence: missense variant. On other transcripts: non-coding transcript variant (3).
Genome position (GRCh38, 1-based): chr16:19,075,799, A>G. VCF-style: chr16-19075799-A-G. GRCh37 (hg19) VCF-style: chr16-19087121-A-G.
Other names: c.332A>G, p.Tyr111Cys (NM_001190983.2, NM_001370492.1, NM_001370493.1 and 2 more transcripts); c.404A>G, p.Tyr135Cys (NM_001370489.1, NM_001370491.1); c.446A>G, p.Tyr149Cys (NM_001370490.1); short protein forms Y135C, Y149C, Y111C.
Identifiers: ClinVar variation 1396906 (VCV001396906.9), dbSNP rs760710474, ClinGen allele CA7933026.
Genomic context (GRCh38, chr16:19,075,799, plus strand): 5'-TCGGGAAGGAAGGTGCCATGGCCTGCACCGTGGCGGTGGAAGAGAGCATAGCACATCACT[A>G]CAACAACCAGATCAGGACGCTGATGGAGGAGGACCCTGAAAAATACGAGGAACTTCTTCA-3'
Protein context (NP_057222.2, residues 139-159): VAVEESIAHH[Tyr149Cys]NNQIRTLMEE